The following is an entry in ClinVar:

ClinVar aggregate classification (germline): Uncertain significance. Review status: criteria provided, multiple submitters, no conflicts (2 of 4 stars). 2 submissions from 2 submitters: Uncertain significance (2). Last evaluated 2025-11-16.

Conditions:
EGFR-related lung cancer (EGFR). Identifiers: MedGen CN130014.
Hereditary cancer-predisposing syndrome. Also called: Tumor predisposition; Hereditary Cancer Syndrome; Hereditary neoplastic syndrome; Neoplastic Syndromes, Hereditary. Identifiers: Orphanet 140162, MedGen C0027672, MeSH D009386, MONDO:0015356.

Allele frequency attached by ClinVar (database versions not stated): gnomAD 0.00001.
gnomAD v4.1: 1 of 1,613,762 alleles (0.000062%); highest among the groups gnomAD compares: African/African-American, 0.0013%; no homozygotes.

Submissions (2):

Ambry Genetics
Classification: Uncertain significance for Hereditary cancer-predisposing syndrome. Last evaluated: 2025-11-16. Review status: criteria provided, single submitter. Criteria: Ambry Variant Classification Scheme 2023. Collection method: clinical testing. Allele origin: germline.
Comment: The p.P622L variant (also known as c.1865C>T), located in coding exon 15 of the EGFR gene, results from a C to T substitution at nucleotide position 1865. The proline at codon 622 is replaced by leucine, an amino acid with similar properties. This amino acid position is conserved. In addition, this alteration is predicted to be tolerated by in silico analysis. Based on the available evidence, the clinical significance of this variant remains unclear.

Labcorp Genetics (formerly Invitae), Labcorp
Classification: Uncertain significance for EGFR-related lung cancer. Last evaluated: 2025-08-11. Review status: criteria provided, single submitter. Criteria: Invitae Variant Classification Sherloc (09022015). Collection method: clinical testing. Allele origin: germline.
Comment: This sequence change replaces proline, which is neutral and non-polar, with leucine, which is neutral and non-polar, at codon 622 of the EGFR protein (p.Pro622Leu). This variant is not present in population databases (gnomAD no frequency). This variant has not been reported in the literature in individuals affected with EGFR-related conditions. ClinVar contains an entry for this variant (Variation ID: 1444506). Invitae Evidence Modeling of protein sequence and biophysical properties (such as structural, functional, and spatial information, amino acid conservation, physicochemical variation, residue mobility, and thermodynamic stability) indicates that this missense variant is not expected to disrupt EGFR protein function with a negative predictive value of 80%. In summary, the available evidence is currently insufficient to determine the role of this variant in disease. Therefore, it has been classified as a Variant of Uncertain Significance.

NM_005228.5(EGFR):c.1865C>T (p.Pro622Leu)

Gene: EGFR (epidermal growth factor receptor; plus strand). Cytogenetic location: 7p11.2.
Variant type: single nucleotide variant.
Coding change: c.1865C>T on transcript NM_005228.5 (MANE Select); coding-DNA position 1865, C replaced by T.
Protein change: p.Pro622Leu; replaces proline 622 with leucine.
Molecular consequence: missense variant.
Genome position (GRCh38, 1-based): chr7:55,165,422, C>T. VCF-style: chr7-55165422-C-T. GRCh37 (hg19) VCF-style: chr7-55233115-C-T.
Other names: c.1730C>T, p.Pro577Leu (NM_001346897.2, NM_001346899.2); c.1865C>T, p.Pro622Leu (NM_001346898.2, NM_201282.2, NM_201284.2); c.1706C>T, p.Pro569Leu (NM_001346900.2); c.1064C>T, p.Pro355Leu (NM_001346941.2); c.1865C>T (NM_005228.3); short protein forms P355L, P577L, P569L, P622L.
Identifiers: ClinVar variation 1444506 (VCV001444506.9), dbSNP rs1785924412, ClinGen allele CA367581104.
Genomic context (GRCh38, chr7:55,165,422, plus strand): 5'-AAAACAACACCCTGGTCTGGAAGTACGCAGACGCCGGCCATGTGTGCCACCTGTGCCATC[C>T]AAACTGCACCTACGGGTGAGTGGAAAGTGAAGGAGAACAGAACATTTCCTCTCTTGCAAA-3'
Protein context (NP_005219.2, residues 612-632): DAGHVCHLCH[Pro622Leu]NCTYGCTGPG